The following is an entry in ClinVar:

ClinVar aggregate classification (germline): Pathogenic (1 of 4 stars; one submission).

Conditions:
Hypercholesterolemia, familial, 4 (FHCL4). Also called: HYPERCHOLESTEROLEMIA, AUTOSOMAL RECESSIVE, 1; HYPERCHOLESTEROLEMIA, AUTOSOMAL RECESSIVE, 2. Identifiers: Orphanet 391665, MedGen C1863512, MONDO:0011374, OMIM 603813.

Submission:

Labcorp Genetics (formerly Invitae), Labcorp
Classification: Pathogenic for Hypercholesterolemia, familial, 4. Last evaluated: 2019-09-12. Review status: criteria provided, single submitter. Criteria: Invitae Variant Classification Sherloc (09022015). Collection method: clinical testing. Allele origin: germline.
Comment: For these reasons, this variant has been classified as Pathogenic. Loss-of-function variants in LDLRAP1 are known to be pathogenic (PMID: 11326085, 12464675). This variant has not been reported in the literature in individuals with LDLRAP1-related conditions. This variant is not present in population databases (ExAC no frequency). This sequence change creates a premature translational stop signal (p.Leu90Glufs*19) in the LDLRAP1 gene. It is expected to result in an absent or disrupted protein product.

Literature cited by the submitters: PubMed 11326085; PubMed 12464675.

NM_015627.3(LDLRAP1):c.268_269del (p.Leu90fs)

Gene: LDLRAP1 (low density lipoprotein receptor adaptor protein 1; plus strand). Cytogenetic location: 1p36.11.
Variant type: Microsatellite.
Coding change: c.268_269del on transcript NM_015627.3 (MANE Select); coding-DNA positions 268 to 269, 2 bases deleted (CT; older notation c.268_269delCT).
Protein change: p.Leu90fs; shifts the reading frame from leucine 90.
Molecular consequence: frameshift variant.
Genome position (GRCh38, 1-based): chr1:25,554,896-25,554,897, CT deleted; deleting any 2 consecutive bases within chr1:25,554,894-25,554,897 gives the same sequence; the c. name uses the placement nearest the transcript's 3' end. VCF-style (leftmost placement, unchanged base first): chr1-25554893-ACT-A. GRCh37 (hg19) VCF-style: chr1-25881384-ACT-A.
Other names: short protein forms L90fs.
Identifiers: ClinVar variation 935692 (VCV000935692.8), dbSNP rs2044162851, ClinGen allele CA1159701421.